The following is an entry in ClinVar:

ClinVar aggregate classification (germline): Benign/Likely benign. Review status: criteria provided, multiple submitters, no conflicts (2 of 4 stars). 2 submissions from 2 submitters: Benign (1); Likely benign (1). Last evaluated 2026-08-25.

Conditions:
RAI1-related disorder. Also called: RAI1-related condition.

Allele frequency attached by ClinVar (database versions not stated): gnomAD exomes 0.00002; TOPMed 0.00003; gnomAD 0.00005.
gnomAD v4.1: 44 of 1,614,080 alleles (0.0027%); highest among the groups gnomAD compares: Non-Finnish European, 0.0034%; no homozygotes.

Submissions (2):

PreventionGenetics, part of Exact Sciences
Classification: Likely benign for RAI1-related condition. Last evaluated: 2026-08-25. Review status: criteria provided, single submitter. Criteria: ACMG Guidelines, 2015. Collection method: clinical testing. Allele origin: germline.
Comment: This variant is classified as likely benign based on ACMG/AMP sequence variant interpretation guidelines (Richards et al. 2015 PMID: 25741868, with internal and published modifications).

Labcorp Genetics (formerly Invitae), Labcorp
Classification: Benign. Last evaluated: 2024-10-06. Review status: criteria provided, single submitter. Criteria: Invitae Variant Classification Sherloc (09022015). Collection method: clinical testing. Allele origin: germline.

NM_030665.4(RAI1):c.4637A>G (p.Lys1546Arg)

Gene: RAI1 (retinoic acid induced 1; plus strand). Cytogenetic location: 17p11.2.
Variant type: single nucleotide variant.
Coding change: c.4637A>G on transcript NM_030665.4 (MANE Select); coding-DNA position 4637, A replaced by G.
Protein change: p.Lys1546Arg; replaces lysine 1546 with arginine.
Molecular consequence: missense variant.
Genome position (GRCh38, 1-based): chr17:17,797,585, A>G. VCF-style: chr17-17797585-A-G. GRCh37 (hg19) VCF-style: chr17-17700899-A-G.
Other names: c.4637A>G (NM_030665.3); short protein forms K1546R.
Identifiers: ClinVar variation 2850727 (VCV002850727.6), dbSNP rs565710446, ClinGen allele CA288371366.